The following is an entry in ClinVar:

ClinVar aggregate classification (germline): Benign (1 of 4 stars; one submission).

Conditions:
Colorectal cancer, hereditary nonpolyposis, type 7. Identifiers: Orphanet 144, MedGen C1858380, MONDO:0013725, OMIM 614385.

Submission:

Myriad Genetics, Inc.
Classification: Benign for Colorectal cancer, hereditary nonpolyposis, type 7. Last evaluated: 2026-09-14. Review status: criteria provided, single submitter. Criteria: Myriad Autosomal Dominant, Autosomal Recessive and X-Linked Classification Criteria (2023). Collection method: clinical testing. Allele origin: unknown.
Comment: This variant is considered benign. This variant is a silent/synonymous amino acid change and it is not expected to impact splicing.

NM_001040108.2(MLH3):c.594T>A (p.Val198=)

Gene: MLH3 (mutL homolog 3; minus strand). Cytogenetic location: 14q24.3.
Variant type: single nucleotide variant.
Coding change: c.594T>A on transcript NM_001040108.2 (MANE Select); coding-DNA position 594, T replaced by A.
Protein change: p.Val198=; no amino-acid change (valine 198 retained).
Molecular consequence: synonymous variant.
Genome position (GRCh38, 1-based): chr14:75,049,062, A>T on the plus strand (T>A on the coding strand, the complement: MLH3 is on the minus strand). VCF-style: chr14-75049062-A-T. GRCh37 (hg19) VCF-style: chr14-75515765-A-T.
Other names: c.594T>A, p.Val198= (NM_014381.3).
Identifiers: ClinVar variation 5042213 (VCV005042213.1).
Genomic context (GRCh38, chr14:75,049,062, plus strand): 5'-TCCCAATCCATAAATTTGACAAAATCGGGAACATACGTCTTTGGTTTTAGGGAGCTGAAG[A>T]ACCATGGAACCAGAAACATCATTTCTCAAAGAGAAAGAAATGGAAGGGTGCATGAGTGAG-3'
Protein context (NP_001035197.1, residues 188-208): SLRNDVSGSM[Val198=]LQLPKTKDVC